The following is an entry in ClinVar:

NM_002691.4(POLD1):c.324G>A (p.Ala108=)

Gene: POLD1 (DNA polymerase delta 1, catalytic subunit; plus strand). Cytogenetic location: 19q13.33.
Variant type: single nucleotide variant.
Coding change: c.324G>A on transcript NM_002691.4 (MANE Select); coding-DNA position 324, G replaced by A.
Protein change: p.Ala108=; no amino-acid change (alanine 108 retained).
Molecular consequence: synonymous variant. On other transcripts: non-coding transcript variant (1).
Genome position (GRCh38, 1-based): chr19:50,401,785, G>A. VCF-style: chr19-50401785-G-A. GRCh37 (hg19) VCF-style: chr19-50905042-G-A.
Other names: p.Ala108=; c.324G>A, p.Ala108= (NM_001256849.1, NM_001308632.1).
Identifiers: ClinVar variation 380219 (VCV000380219.23), dbSNP rs20582, ClinGen allele CA9595701.

ClinVar aggregate classification (germline): Benign. Review status: criteria provided, multiple submitters, no conflicts (2 of 4 stars). 12 submissions from 12 submitters: Benign (12). Last evaluated 2026-02-04.

Conditions:
POLD1-related polyposis and colorectal cancer syndrome (CRCS10). Also called: Colorectal cancer, susceptibility to, 10; Colorectal cancer 10; COLORECTAL CANCER, SUSCEPTIBILITY TO, ON CHROMOSOME 19q. Identifiers: Orphanet 220460, MedGen C2675481, MONDO:0012953, OMIM 612591.
Hereditary cancer-predisposing syndrome. Also called: Neoplastic Syndromes, Hereditary; Hereditary neoplastic syndrome; Hereditary Cancer Syndrome; Tumor predisposition. Identifiers: Orphanet 140162, MedGen C0027672, MeSH D009386, MONDO:0015356.
Mandibular hypoplasia-deafness-progeroid syndrome. Also called: Mandibular hypoplasia, deafness, progeroid features, and lipodystrophy syndrome. Identifiers: Orphanet 363649, MedGen C3715192, MONDO:0014157, OMIM 615381.

Allele frequency attached by ClinVar (database versions not stated): ESP Exome Variant Server 0.14445; TOPMed 0.15255; 1000 Genomes Project 0.18890; 1000 Genomes Project 30x 0.19035.
gnomAD v4.1: 148,031 of 1,611,890 alleles (9.2%); highest among the groups gnomAD compares: African/African-American, 29%; 9,638 homozygotes.

Submissions (12):

Labcorp Genetics (formerly Invitae), Labcorp
Classification: Benign for POLD1-related polyposis and colorectal cancer syndrome. Last evaluated: 2026-02-04. Review status: criteria provided, single submitter. Criteria: Invitae Variant Classification Sherloc (09022015). Collection method: clinical testing. Allele origin: germline.

Institute for Biomarker Research, Medical Diagnostic Laboratories, L.L.C.
Classification: Benign for Hereditary cancer-predisposing syndrome. Last evaluated: 2024-12-23. Review status: criteria provided, single submitter. Criteria: ACMG Guidelines, 2015. Collection method: clinical testing. Allele origin: germline.
Comment: The synonymous variant NM_001308632.1(POLD1):c.324G>A (p.Ala108=) has been reported to ClinVar as Benign with a status of (2 stars) criteria provided, multiple submitters, no conflicts (Variation ID 380219 as of 2024-12-05). The p.Ala108= variant is not predicted to disrupt the existing acceptor splice site 8bp upstream by any splice site algorithm. The p.Ala108= variant results in a substitution of a base that is not predicted conserved by GERP++ and PhyloP. For these reasons, this variant has been classified as Benign.

Unidad de Genómica Garrahan, Hospital de Pediatría Garrahan
Classification: Benign. Last evaluated: 2024-01-24. Review status: criteria provided, single submitter. Criteria: ACMG Guidelines, 2015. Collection method: clinical testing. Allele origin: germline. Affected: no. Observed: 21 variant alleles.
Comment: This variant is classified as Benign based on local population frequency. This variant was detected in 22% of patients studied by a panel of primary immunodeficiencies. Number of patients: 21. Only high quality variants are reported.

KCCC/NGS Laboratory, Kuwait Cancer Control Center
Classification: Benign for POLD1-related polyposis and colorectal cancer syndrome. Last evaluated: 2023-07-07. Review status: criteria provided, single submitter. Criteria: ACMG Guidelines, 2015. Collection method: clinical testing. Allele origin: germline. Affected: yes.

Mayo Clinic Laboratories, Mayo Clinic
Classification: Benign. Last evaluated: 2022-04-08. Review status: criteria provided, single submitter. Criteria: ACMG Guidelines, 2015. Collection method: clinical testing. Allele origin: germline. Observed: 129 variant alleles.

Genome-Nilou Lab
Classification: Benign for Mandibular hypoplasia-deafness-progeroid syndrome. Last evaluated: 2021-10-25. Review status: criteria provided, single submitter. Criteria: ACMG Guidelines, 2015. Collection method: clinical testing. Allele origin: germline. Affected: no.

PreventionGenetics, part of Exact Sciences
Classification: Benign. Last evaluated: 2016-11-02. Review status: criteria provided, single submitter. Criteria: ACMG Guidelines, 2015. Collection method: clinical testing. Allele origin: germline.

Quest Diagnostics Nichols Institute San Juan Capistrano
Classification: Benign. Last evaluated: 2016-09-16. Review status: criteria provided, single submitter. Criteria: Quest Diagnostics criteria. Collection method: clinical testing. Allele origin: germline.

Women's Health and Genetics/Laboratory Corporation of America, LabCorp
Classification: Benign. Last evaluated: 2016-05-17. Review status: criteria provided, single submitter. Criteria: LabCorp Variant Classification Summary - May 2015. Collection method: clinical testing. Allele origin: germline.
Comment: Variant summary: The POLD1 c.324G>A (p.Ala108Ala) variant causes a synonymous change involving a non-conserved nucleotide with 5/5 splice prediction tools predicting no significant impact on splicing, however, these predictions have yet to be functionally assessed. This variant was observed in the large, broad control population, ExAC, with an allele frequency of 13554/117858 (1121 homozygotes, 1/8, frequency: 0.1150028), which significantly exceeds the estimated maximal expected allele frequency for a pathogenic POLD1 variant of 1/70422 (0.0000142), suggesting this variant is likely a benign polymorphism. Therefore, the variant of interest is classified as Benign.

GeneDx
Classification: Benign. Last evaluated: 2015-11-06. Review status: criteria provided, single submitter. Criteria: GeneDx Variant Classification (06012015). Collection method: clinical testing. Allele origin: germline. Affected: yes.
Comment: This variant is considered likely benign or benign based on one or more of the following criteria: it is a conservative change, it occurs at a poorly conserved position in the protein, it is predicted to be benign by multiple in silico algorithms, and/or has population frequency not consistent with disease.

Ambry Genetics
Classification: Benign for Hereditary cancer-predisposing syndrome. Last evaluated: 2015-05-20. Review status: criteria provided, single submitter. Criteria: Ambry Variant Classification Scheme 2023. Collection method: clinical testing. Allele origin: germline.

Breakthrough Genomics
Classification: Benign. Review status: criteria provided, single submitter. Criteria: ACMG Guidelines, 2015. Collection method: not provided. Allele origin: germline. Inheritance: Autosomal dominant inheritance. Affected: yes.